The following is an entry in ClinVar:

NM_022836.4(DCLRE1B):c.341C>G (p.Thr114Ser)

Gene: DCLRE1B (DNA cross-link repair 1B; plus strand). Cytogenetic location: 1p13.2.
Variant type: single nucleotide variant.
Coding change: c.341C>G on transcript NM_022836.4 (MANE Select); coding-DNA position 341, C replaced by G.
Protein change: p.Thr114Ser; replaces threonine 114 with serine.
Molecular consequence: missense variant. On other transcripts: intron variant (3).
Genome position (GRCh38, 1-based): chr1:113,907,147, C>G. VCF-style: chr1-113907147-C-G. GRCh37 (hg19) VCF-style: chr1-114449769-C-G.
Other names: c.341C>G, p.Thr114Ser (NM_001363690.2); c.-23-862C>G (NM_001319947.2, NM_001319946.2, NM_001363691.2); short protein forms T114S.
Identifiers: ClinVar variation 1052620 (VCV001052620.9), dbSNP rs2101068175, ClinGen allele CA341698213.

ClinVar aggregate classification (germline): Uncertain significance (1 of 4 stars; one submission).

Conditions:
Hoyeraal-Hreidarsson syndrome (HHS). Also called: CEREBELLAR HYPOPLASIA WITH PANCYTOPENIA. Identifiers: Orphanet 3322, MedGen C1846142, MONDO:0018045.
Autosomal recessive dyskeratosis congenita. Identifiers: MedGen C3502105.

Allele frequency attached by ClinVar (database versions not stated): gnomAD exomes below 0.00001.
gnomAD v4.1: 2 of 1,601,720 alleles (0.00012%); highest among the groups gnomAD compares: Non-Finnish European, 0.000085%; no homozygotes.

Submission:

Labcorp Genetics (formerly Invitae), Labcorp
Classification: Uncertain significance for Hoyeraal-Hreidarsson syndrome; Autosomal recessive dyskeratosis congenita. Last evaluated: 2020-05-01. Review status: criteria provided, single submitter. Criteria: Invitae Variant Classification Sherloc (09022015). Collection method: clinical testing. Allele origin: germline.
Comment: In summary, the available evidence is currently insufficient to determine the role of this variant in disease. Therefore, it has been classified as a Variant of Uncertain Significance. Algorithms developed to predict the effect of missense changes on protein structure and function (SIFT, PolyPhen-2, Align-GVGD) all suggest that this variant is likely to be tolerated, but these predictions have not been confirmed by published functional studies and their clinical significance is uncertain. This variant has not been reported in the literature in individuals with DCLRE1B-related conditions. This variant is not present in population databases (ExAC no frequency). This sequence change replaces threonine with serine at codon 114 of the DCLRE1B protein (p.Thr114Ser). The threonine residue is moderately conserved and there is a small physicochemical difference between threonine and serine.